The following is an entry in ClinVar:

NM_000069.3(CACNA1S):c.1793A>T (p.Asp598Val)

Gene: CACNA1S (calcium voltage-gated channel subunit alpha1 S; minus strand). Cytogenetic location: 1q32.1.
Variant type: single nucleotide variant.
Coding change: c.1793A>T on transcript NM_000069.3 (MANE Select); coding-DNA position 1793, A replaced by T.
Protein change: p.Asp598Val; replaces aspartic acid 598 with valine.
Molecular consequence: missense variant.
Genome position (GRCh38, 1-based): chr1:201,076,954, T>A on the plus strand (A>T on the coding strand, the complement: CACNA1S is on the minus strand). VCF-style: chr1-201076954-T-A. GRCh37 (hg19) VCF-style: chr1-201046082-T-A.
Other names: short protein forms D598V.
Identifiers: ClinVar variation 1042419 (VCV001042419.7), dbSNP rs749475822, ClinGen allele CA078571.

ClinVar aggregate classification (germline): Uncertain significance. Review status: criteria provided, multiple submitters, no conflicts (2 of 4 stars). 2 submissions from 2 submitters: Uncertain significance (2). Last evaluated 2024-06-04.

Conditions:
Thyrotoxic periodic paralysis, susceptibility to, 1 (TTPP1). Identifiers: Orphanet 79102, MedGen C2749982, MONDO:0008570, OMIM 188580.
Congenital myopathy 18. Also called: DIHYDROPYRIDINE RECEPTOR CONGENITAL MYOPATHY; DHPR CONGENITAL MYOPATHY; Myopathy, congenital, due to dihydropyridine receptor defect. Identifiers: MedGen C5830283, MONDO:0859514, OMIM 620246.
Hypokalemic periodic paralysis, type 1. Also called: HypoPP; Hypokalemic Periodic Paralysis Type 1 (AD). Identifiers: Orphanet 681, MedGen C3714580, MONDO:0042979, OMIM 170400.
Malignant hyperthermia, susceptibility to, 5 (MHS5). Also called: CACNA1S-Related Malignant Hyperthermia Susceptibility. Identifiers: Orphanet 423, MedGen C1866077, MONDO:0011163, OMIM 601887.

Allele frequency attached by ClinVar (database versions not stated): gnomAD exomes 0.00001; ExAC 0.00002.
gnomAD v4.1: 6 of 1,614,134 alleles (0.00037%); highest among the groups gnomAD compares: Non-Finnish European, 0.00051%; no homozygotes.

Submissions (2):

Fulgent Genetics
Classification: Uncertain significance for Hypokalemic periodic paralysis, type 1; Thyrotoxic periodic paralysis, susceptibility to, 1; Malignant hyperthermia, susceptibility to, 5; Congenital myopathy 18. Last evaluated: 2024-06-04. Review status: criteria provided, single submitter. Criteria: ACMG Guidelines, 2015. Collection method: clinical testing. Allele origin: germline.

Labcorp Genetics (formerly Invitae), Labcorp
Classification: Uncertain significance for Hypokalemic periodic paralysis, type 1; Malignant hyperthermia, susceptibility to, 5. Last evaluated: 2022-08-31. Review status: criteria provided, single submitter. Criteria: Invitae Variant Classification Sherloc (09022015). Collection method: clinical testing. Allele origin: germline.
Comment: This sequence change replaces aspartic acid, which is acidic and polar, with valine, which is neutral and non-polar, at codon 598 of the CACNA1S protein (p.Asp598Val). This variant is present in population databases (rs749475822, gnomAD 0.003%). This variant has not been reported in the literature in individuals affected with CACNA1S-related conditions. ClinVar contains an entry for this variant (Variation ID: 1042419). Algorithms developed to predict the effect of missense changes on protein structure and function (SIFT, PolyPhen-2, Align-GVGD) all suggest that this variant is likely to be disruptive. In summary, the available evidence is currently insufficient to determine the role of this variant in disease. Therefore, it has been classified as a Variant of Uncertain Significance.